The following is an entry in ClinVar:

NM_004187.5(KDM5C):c.769_770del (p.Leu257fs)

Gene: KDM5C (lysine demethylase 5C; minus strand). Cytogenetic location: Xp11.22.
Variant type: Microsatellite.
Coding change: c.769_770del on transcript NM_004187.5 (MANE Select); coding-DNA positions 769 to 770, 2 bases deleted (CT; older notation c.769_770delCT).
Protein change: p.Leu257fs; shifts the reading frame from leucine 257.
Molecular consequence: frameshift variant. On other transcripts: non-coding transcript variant (3).
Genome position (GRCh38, 1-based): chrX:53,216,085-53,216,086, AG deleted on the plus strand (CT on the coding strand, the reverse complement: KDM5C is on the minus strand); deleting any 2 consecutive bases within chrX:53,216,085-53,216,088 gives the same sequence; the c. name uses the placement nearest the transcript's 3' end. VCF-style (leftmost placement, unchanged base first): chrX-53216084-CAG-C. GRCh37 (hg19) VCF-style: chrX-53245266-CAG-C.
Other names: c.568_569del, p.Leu190fs (NM_001146702.2); c.766_767del, p.Leu256fs (NM_001282622.3, NM_001353979.2, NM_001353982.2); c.769_770del, p.Leu257fs (NM_001353978.3, NM_001353981.2, NM_001353984.2); short protein forms L256fs, L190fs, L257fs.
Identifiers: ClinVar variation 397527 (VCV000397527.3), dbSNP rs1060499661, ClinGen allele CA16609407.

ClinVar aggregate classification (germline): Pathogenic. Review status: criteria provided, multiple submitters, no conflicts (2 of 4 stars). 2 submissions from 2 submitters: Pathogenic (2). Last evaluated 2026-01-12.

Conditions:
Intellectual developmental disorder, X-linked, syndromic, Claes-Jensen type. Also called: INTELLECTUAL DEVELOPMENTAL DISORDER, X-LINKED, SYNDROMIC 16; MENTAL RETARDATION, X-LINKED, SYNDROMIC 16; Syndromic X-linked intellectual disability Claes-Jensen type. Identifiers: Orphanet 85279, MedGen C1845243, MONDO:0010355, OMIM 300534.

Submissions (2):

3billion
Classification: Pathogenic for Intellectual developmental disorder, X-linked, syndromic, Claes-Jensen type. Last evaluated: 2026-01-12. Review status: criteria provided, single submitter. Criteria: ACMG Guidelines, 2015. Collection method: clinical testing. Allele origin: germline. Affected: yes.
Comment: The variant is not observed in the gnomAD v4.1.0 dataset. Predicted Consequence/Location: Frameshift: predicted to result in a loss or disruption of normal protein function through nonsense-mediated decay (NMD) or protein truncation. Multiple pathogenic variants are reported downstream of the variant. The variant has been reported to be associated with KDM5C-related disorder (ClinVar ID: VCV000397527 /PMID: 27353043). Therefore, this variant is classified as Pathogenic according to the recommendation of ACMG/AMP guideline.

Center of Genomic medicine, Geneva, University Hospital of Geneva
Classification: Pathogenic for Intellectual developmental disorder, X-linked, syndromic, Claes-Jensen type. Last evaluated: 2014-05-07. Review status: criteria provided, single submitter. Criteria: MacArthur et al. (Nature 2014). Collection method: clinical testing. Allele origin: de novo. Affected: yes.

Literature cited by the submitters: PubMed 27353043 (cited by 3billion).